The following is an entry in ClinVar:

NM_000302.4(PLOD1):c.1659G>A (p.Pro553=)

Gene: PLOD1 (procollagen-lysine,2-oxoglutarate 5-dioxygenase 1; plus strand). Cytogenetic location: 1p36.22.
Variant type: single nucleotide variant.
Coding change: c.1659G>A on transcript NM_000302.4 (MANE Select); coding-DNA position 1659, G replaced by A.
Protein change: p.Pro553=; no amino-acid change (proline 553 retained).
Molecular consequence: synonymous variant.
Genome position (GRCh38, 1-based): chr1:11,966,995, G>A. VCF-style: chr1-11966995-G-A. GRCh37 (hg19) VCF-style: chr1-12027052-G-A.
Other names: c.1800G>A, p.Pro600= (NM_001316320.2).
Identifiers: ClinVar variation 941847 (VCV000941847.28), dbSNP rs778242162, ClinGen allele CA598513.

ClinVar aggregate classification (germline): Likely benign. Review status: criteria provided, multiple submitters, no conflicts (2 of 4 stars). 3 submissions from 3 submitters: Likely benign (3). Last evaluated 2026-06-01.

Conditions:
Familial thoracic aortic aneurysm and aortic dissection (TAAD). Also called: Thoracic aortic aneurysms and dissections. Identifiers: Orphanet 91387, MedGen C4707243, MONDO:0019625.
Ehlers-Danlos syndrome, kyphoscoliotic type 1 (EDSKSCL1). Also called: Ehlers-Danlos syndrome, hydroxylysine-deficient; EHLERS-DANLOS SYNDROME, TYPE VIA; PLOD1-Related Kyphoscoliotic Ehlers-Danlos Syndrome; EHLERS-DANLOS SYNDROME, OCULAR-SCOLIOTIC TYPE. Identifiers: Orphanet 1900, MedGen C0268342, MONDO:0016002, OMIM 225400. Disease mechanism: loss of function.

Allele frequency attached by ClinVar (database versions not stated): gnomAD 0.00001; gnomAD exomes 0.00001; ExAC 0.00002.

Submissions (3):

CeGaT Center for Human Genetics Tuebingen
Classification: Likely benign. Last evaluated: 2026-06-01. Review status: criteria provided, single submitter. Criteria: CeGaT Center For Human Genetics Tuebingen Variant Classification Criteria Version 2. Collection method: clinical testing. Allele origin: germline. Affected: yes. Observed: 2 variant alleles.
Comment: PLOD1: BP4, BP7

Labcorp Genetics (formerly Invitae), Labcorp
Classification: Likely benign for Ehlers-Danlos syndrome, kyphoscoliotic type 1. Last evaluated: 2025-02-10. Review status: criteria provided, single submitter. Criteria: Invitae Variant Classification Sherloc (09022015). Collection method: clinical testing. Allele origin: germline.

Ambry Genetics
Classification: Likely benign for Familial thoracic aortic aneurysm and aortic dissection. Last evaluated: 2019-11-11. Review status: criteria provided, single submitter. Criteria: Ambry Variant Classification Scheme 2023. Collection method: clinical testing. Allele origin: germline.